The following is an entry in ClinVar:

NM_022336.4(EDAR):c.1143C>T (p.Phe381=)

Genes: RANBP2 (RAN binding protein 2; plus strand), EDAR (ectodysplasin A receptor; minus strand). Cytogenetic location: 2q13.
Variant type: single nucleotide variant.
Coding change: c.1143C>T on transcript NM_022336.4 (MANE Select); coding-DNA position 1143, C replaced by T.
Protein change: p.Phe381=; no amino-acid change (phenylalanine 381 retained).
Molecular consequence: synonymous variant.
Genome position (GRCh38, 1-based): chr2:108,897,111, G>A on the plus strand (C>T on the coding strand, the complement: EDAR is on the minus strand). VCF-style: chr2-108897111-G-A. GRCh37 (hg19) VCF-style: chr2-109513567-G-A.
Identifiers: ClinVar variation 707603 (VCV000707603.11), dbSNP rs143639120, ClinGen allele CA1824809.

ClinVar aggregate classification (germline): Benign. Review status: criteria provided, multiple submitters, no conflicts (2 of 4 stars). 2 submissions from 2 submitters: Benign (2). Last evaluated 2025-10-23.

Conditions:
Ectodermal dysplasia 10A, hypohidrotic/hair/nail type, autosomal dominant (ECTD10A). Also called: Ectodermal Dysplasia 3, Anhidrotic. Identifiers: Orphanet 1810, Orphanet 238468, MedGen C3888065, MONDO:0007509, OMIM 129490.
Autosomal recessive hypohidrotic ectodermal dysplasia syndrome. Also called: Autosomal recessive hypohidrotic ectodermal dysplasia. Identifiers: Orphanet 248, MedGen C0406702, MONDO:0016619.
Hypohidrotic Ectodermal Dysplasia, Dominant.

Allele frequency attached by ClinVar (database versions not stated): gnomAD exomes 0.00012 and 0.00027; ExAC 0.00034; ESP Exome Variant Server 0.00108; gnomAD 0.00116 and 0.00126; 1000 Genomes Project 30x 0.00125; TOPMed 0.00127; 1000 Genomes Project 0.00140.
gnomAD v4.1: 360 of 1,614,028 alleles (0.022%); highest among the groups gnomAD compares: African/African-American, 0.35%; 1 homozygote.

Submissions (2):

Labcorp Genetics (formerly Invitae), Labcorp
Classification: Benign for Ectodermal dysplasia 10A, hypohidrotic/hair/nail type, autosomal dominant; Autosomal recessive hypohidrotic ectodermal dysplasia syndrome. Last evaluated: 2025-10-23. Review status: criteria provided, single submitter. Criteria: Invitae Variant Classification Sherloc (09022015). Collection method: clinical testing. Allele origin: germline.

Illumina Laboratory Services, Illumina
Classification: Benign for Hypohidrotic Ectodermal Dysplasia, Dominant. Last evaluated: 2017-04-28. Review status: criteria provided, single submitter. Criteria: ICSL Variant Classification Criteria 13 December 2019. Collection method: clinical testing. Allele origin: germline.
Comment: This variant was observed as part of a predisposition screen in an ostensibly healthy population. A literature search was performed for the gene, cDNA change, and amino acid change (where applicable). No publications were found based on this search. Allele frequency data from public databases was too high to be consistent with this variant causing disease. Therefore, this variant is classified as benign.